The following is an entry in ClinVar:

NM_000041.2:c.[388T>C];[526C>T]

Variant type: CompoundHeterozygote.
Identifiers: ClinVar variation 666796 (VCV000666796.5).

ClinVar aggregate classification (germline): Uncertain significance (1 of 4 stars; one submission).

Submission:

Laboratory for Molecular Medicine, Mass General Brigham Personalized Medicine
Classification: Uncertain significance. Last evaluated: 2019-01-18. Review status: criteria provided, single submitter. Criteria: LMM Criteria. Collection method: clinical testing. Allele origin: germline. Observed: 2 variant alleles.
Comment: proposed classification - variant undergoing re-assessment, contact laboratory

Literature cited by the submitters: PubMed 27260402; PubMed 9343467; PubMed 23571587.